The following is an entry in ClinVar:

NM_000342.4(SLC4A1):c.290del (p.Pro97fs)

Gene: SLC4A1 (solute carrier family 4 member 1 (Diego blood group); minus strand). Cytogenetic location: 17q21.31.
Variant type: Deletion.
Coding change: c.290del on transcript NM_000342.4 (MANE Select); coding-DNA position 290, one base deleted (C; older notation c.290delC).
Protein change: p.Pro97fs; shifts the reading frame from proline 97.
Molecular consequence: frameshift variant.
Genome position (GRCh38, 1-based): chr17:44,260,694, G deleted on the plus strand (C on the coding strand, the reverse complement: SLC4A1 is on the minus strand); the first of 3 consecutive G bases (chr17:44,260,694-44,260,696); deleting any one gives the same sequence. VCF-style (leftmost placement, unchanged base first): chr17-44260693-CG-C. GRCh37 (hg19) VCF-style: chr17-42338061-CG-C.
Other names: p.Pro97Argfs*12; short protein forms P97fs.
Identifiers: ClinVar variation 4542176 (VCV004542176.1).

ClinVar aggregate classification (germline): Likely pathogenic (1 of 4 stars; one submission).

Submission:

Mayo Clinic Laboratories, Mayo Clinic
Classification: Likely pathogenic. Last evaluated: 2025-06-24. Review status: criteria provided, single submitter. Criteria: ACMG Guidelines, 2015. Collection method: clinical testing. Allele origin: germline. Observed: 1 variant allele.
Comment: PM2_supporting, PVS1